The following is an entry in ClinVar:

NM_000338.3(SLC12A1):c.2498_2499del (p.Arg833fs)

Gene: SLC12A1 (solute carrier family 12 member 1; plus strand). Cytogenetic location: 15q21.1.
Variant type: Microsatellite.
Coding change: c.2498_2499del on transcript NM_000338.3 (MANE Select); coding-DNA positions 2498 to 2499, 2 bases deleted (GA; older notation c.2498_2499delGA).
Protein change: p.Arg833fs; shifts the reading frame from arginine 833.
Molecular consequence: frameshift variant.
Genome position (GRCh38, 1-based): chr15:48,285,118-48,285,119, GA deleted; deleting any 2 consecutive bases within chr15:48,285,113-48,285,119 gives the same sequence; the c. name uses the placement nearest the transcript's 3' end. VCF-style (leftmost placement, unchanged base first): chr15-48285112-TAG-T. GRCh37 (hg19) VCF-style: chr15-48577309-TAG-T.
Other names: c.2498_2499del, p.Arg833fs (NM_001184832.2, NM_001384136.1); c.2498_2499del (NM_000338.2); short protein forms R833fs.
Identifiers: ClinVar variation 378050 (VCV000378050.6), dbSNP rs1057520303, ClinGen allele CA16609226.

ClinVar aggregate classification (germline): Pathogenic. Review status: criteria provided, multiple submitters, no conflicts (2 of 4 stars). 3 submissions from 3 submitters: Pathogenic (2). 1 of the submissions does not count toward it. Last evaluated 2024-05-26.

Conditions:
Bartter disease type 1. Also called: HYPERPROSTAGLANDIN E SYNDROME 1; Bartter Syndrome type 1; Bartter syndrome, type 1, antenatal; HYPOKALEMIC ALKALOSIS WITH HYPERCALCIURIA 1, ANTENATAL. Identifiers: Orphanet 112, Orphanet 620217, MedGen C1866495, MONDO:0100344, OMIM 601678, MONDO:0011127.

Submissions (3):

GeneDx
Classification: Pathogenic. Last evaluated: 2024-05-26. Review status: criteria provided, single submitter. Criteria: GeneDx Variant Classification Process June 2021. Collection method: clinical testing. Allele origin: germline. Affected: yes.
Comment: Frameshift variant predicted to result in protein truncation or nonsense mediated decay in a gene for which loss of function is a known mechanism of disease; Not observed at significant frequency in large population cohorts (gnomAD); This variant is associated with the following publications: (PMID: 28095294, 30790175, 34604727)

Labcorp Genetics (formerly Invitae), Labcorp
Classification: Pathogenic. Last evaluated: 2023-11-09. Review status: criteria provided, single submitter. Criteria: Invitae Variant Classification Sherloc (09022015). Collection method: clinical testing. Allele origin: germline.
Comment: This sequence change creates a premature translational stop signal (p.Arg833Ilefs*15) in the SLC12A1 gene. It is expected to result in an absent or disrupted protein product. Loss-of-function variants in SLC12A1 are known to be pathogenic (PMID: 8640224, 9585600, 19096086). This variant is not present in population databases (gnomAD no frequency). This premature translational stop signal has been observed in individual(s) with Bartter syndrome (PMID: 28095294, 30790175). ClinVar contains an entry for this variant (Variation ID: 378050). For these reasons, this variant has been classified as Pathogenic.

OMIM
Classification: Pathogenic for BARTTER SYNDROME, TYPE 1, ANTENATAL. Last evaluated: 2017-03-02. Review status: no assertion criteria provided. Collection method: literature only. Allele origin: germline. Not counted in ClinVar's aggregate classification.

Literature cited by the submitters: PubMed 8640224 (cited by Labcorp Genetics (formerly Invitae), Labcorp); PubMed 9585600 (cited by Labcorp Genetics (formerly Invitae), Labcorp); PubMed 19096086 (cited by Labcorp Genetics (formerly Invitae), Labcorp); PubMed 28095294 (cited by Labcorp Genetics (formerly Invitae), Labcorp and OMIM); PubMed 30790175 (cited by Labcorp Genetics (formerly Invitae), Labcorp).